The following is an entry in ClinVar:

ClinVar aggregate classification (germline): Conflicting classifications of pathogenicity. Review status: criteria provided, conflicting classifications (1 of 4 stars). 5 submissions from 5 submitters: Pathogenic (1); Likely pathogenic (3); Uncertain significance (1). Last evaluated 2026-01-27.

Conditions:
SLC45A2-related disorder. Also called: SLC45A2-related condition.
Oculocutaneous albinism type 4 (OCA4). Also called: Albinism, oculocutaneous, type IV. Identifiers: Orphanet 79435, MedGen C1847836, MONDO:0011683, OMIM 606574.
SKIN/HAIR/EYE PIGMENTATION 5, BLACK/NONBLACK HAIR (SHEP5). Also called: SKIN/HAIR/EYE PIGMENTATION 5, DARK/FAIR SKIN; SKIN/HAIR/EYE PIGMENTATION 5, DARK/LIGHT EYES; SKIN/HAIR/EYE PIGMENTATION, VARIATION IN, 5. Identifiers: MedGen C2673584, OMIM 227240.

Allele frequency attached by ClinVar (database versions not stated): ExAC 0.00007; gnomAD exomes 0.00001 and 0.00005; gnomAD 0.00003 and 0.00004; TOPMed 0.00003.
gnomAD v4.1: 21 of 1,614,104 alleles (0.0013%); highest among the groups gnomAD compares: Admixed American, 0.025%; no homozygotes.

Submissions (5):

3billion
Classification: Likely pathogenic for Oculocutaneous albinism type 4. Last evaluated: 2026-01-27. Review status: criteria provided, single submitter. Criteria: ACMG Guidelines, 2015. Collection method: clinical testing. Allele origin: germline. Affected: yes.
Comment: The variant is observed at an extremely low frequency in the gnomAD v4.1.0 dataset (total allele frequency: 0.001%). Predicted Consequence/Location: Missense variant In silico tool predictions suggest damaging effect of the variant on gene or gene product [REVEL: 0.92 (>=0.6, sensitivity 0.68 and specificity 0.92)]. The same nucleotide change resulting in the same amino acid change has been previously reported to be associated with SLC45A2-related disorder (ClinVar ID: VCV000242519 /PMID: 25326637). The variant has been reported to be in trans with a pathogenic variant as either compound heterozygous or homozygous in at least one similarly affected unrelated individual (PMID: 25326637). Therefore, this variant is classified as Likely pathogenic according to the recommendation of ACMG/AMP guideline.

PreventionGenetics, part of Exact Sciences
Classification: Likely pathogenic for SLC45A2-related condition. Last evaluated: 2025-06-05. Review status: criteria provided, single submitter. Criteria: ACMG Guidelines, 2015. Collection method: clinical testing. Allele origin: germline.
Comment: The SLC45A2 c.1454T>C variant is predicted to result in the amino acid substitution p.Leu485Pro. This variant has been reported along with a SLC45A2 frameshift variant in an individual with oculocutaneous albinism (Table S2, Lee et al. 2014. PubMed ID: 25326637). This variant is predicted damaging to the encoded protein (Liu et al. 2016. PMID:26555599). This variant is present in 0.032% of alleles in individuals of Latino descent in gnomAD. This variant is interpreted as likely pathogenic.

Labcorp Genetics (formerly Invitae), Labcorp
Classification: Pathogenic. Last evaluated: 2024-10-16. Review status: criteria provided, single submitter. Criteria: Invitae Variant Classification Sherloc (09022015). Collection method: clinical testing. Allele origin: germline.
Comment: This sequence change replaces leucine, which is neutral and non-polar, with proline, which is neutral and non-polar, at codon 485 of the SLC45A2 protein (p.Leu485Pro). This variant is present in population databases (rs749544685, gnomAD 0.03%). This missense change has been observed in individual(s) with oculocutaneous albinism (PMID: 25326637; internal data). In at least one individual the data is consistent with being in trans (on the opposite chromosome) from a pathogenic variant. It has also been observed to segregate with disease in related individuals. ClinVar contains an entry for this variant (Variation ID: 242519). Invitae Evidence Modeling of protein sequence and biophysical properties (such as structural, functional, and spatial information, amino acid conservation, physicochemical variation, residue mobility, and thermodynamic stability) indicates that this missense variant is expected to disrupt SLC45A2 protein function with a positive predictive value of 80%. For these reasons, this variant has been classified as Pathogenic.

Fulgent Genetics
Classification: Likely pathogenic for SKIN/HAIR/EYE PIGMENTATION 5, BLACK/NONBLACK HAIR; Oculocutaneous albinism type 4. Last evaluated: 2024-01-10. Review status: criteria provided, single submitter. Criteria: ACMG Guidelines, 2015. Collection method: clinical testing. Allele origin: germline.

GeneDx
Classification: Uncertain significance. Last evaluated: 2022-04-25. Review status: criteria provided, single submitter. Criteria: GeneDx Variant Classification Process June 2021. Collection method: clinical testing. Allele origin: germline. Affected: yes.
Comment: In silico analysis, which includes protein predictors and evolutionary conservation, supports a deleterious effect; This variant is associated with the following publications: (PMID: 25326637)

Literature cited by the submitters: PubMed 25326637 (cited by 3billion and Labcorp Genetics (formerly Invitae), Labcorp).

NM_016180.5(SLC45A2):c.1454T>C (p.Leu485Pro)

Gene: SLC45A2 (solute carrier family 45 member 2; minus strand). Cytogenetic location: 5p13.2.
Variant type: single nucleotide variant.
Coding change: c.1454T>C on transcript NM_016180.5 (MANE Select); coding-DNA position 1454, T replaced by C.
Protein change: p.Leu485Pro; replaces leucine 485 with proline.
Molecular consequence: missense variant.
Genome position (GRCh38, 1-based): chr5:33,944,787, A>G on the plus strand (T>C on the coding strand, the complement: SLC45A2 is on the minus strand). VCF-style: chr5-33944787-A-G. GRCh37 (hg19) VCF-style: chr5-33944892-A-G.
Other names: c.1454T>C (NM_016180.4); short protein forms L485P.
Identifiers: ClinVar variation 242519 (VCV000242519.12), dbSNP rs749544685, ClinGen allele CA351303.
Genomic context (GRCh38, chr5:33,944,787, plus strand): 5'-ACAACGGTCCCGGCTGTGTTGACCAGAAAGCCCAGGCCACCTCCGACCAGGATCTGAGCC[A>G]GCTGCACCATGCATGTGAGGGTGGCGCAGTCCATGCCCTTCCCTCTCACGCTGTTGTCTG-3'
Protein context (NP_057264.4, residues 475-495): DCATLTCMVQ[Leu485Pro]AQILVGGGLG